The following is an entry in ClinVar:

NM_001377299.1(NDUFS2):c.805C>T (p.Arg269Ter)

Gene: NDUFS2 (NADH:ubiquinone oxidoreductase core subunit S2; plus strand). Cytogenetic location: 1q23.3.
Variant type: single nucleotide variant.
Coding change: c.805C>T on transcript NM_001377299.1 (MANE Select); coding-DNA position 805, C replaced by T.
Protein change: p.Arg269Ter; replaces arginine 269 with a stop codon.
Molecular consequence: nonsense. On other transcripts: non-coding transcript variant (1).
Genome position (GRCh38, 1-based): chr1:161,210,328, C>T. VCF-style: chr1-161210328-C-T. GRCh37 (hg19) VCF-style: chr1-161180118-C-T.
Other names: NC_000001.10:g.161180118C>T; c.805C>T, p.Arg269Ter (NM_001166159.2, NM_001377298.1, NM_001377300.1 and 3 more transcripts); c.727C>T, p.Arg243Ter (NM_001410889.1); c.805C>T (NM_004550.4); short protein forms R269*, R243*.
Identifiers: ClinVar variation 4312697 (VCV004312697.2).

ClinVar aggregate classification (germline): Likely pathogenic (1 of 4 stars; one submission).

gnomAD v4.1: 7 of 1,613,732 alleles (0.00043%); highest among the groups gnomAD compares: South Asian, 0.0044%; no homozygotes.

Submissions (2):

GeneDx
Classification: Likely pathogenic. Last evaluated: 2025-05-13. Review status: criteria provided, single submitter. Criteria: GeneDx Variant Classification Process June 2021. Collection method: clinical testing. Allele origin: germline. Affected: yes.
Comment: Nonsense variant predicted to result in protein truncation or nonsense mediated decay in a gene for which loss of function is a known mechanism of disease; Not observed at significant frequency in large population cohorts (gnomAD); Has not been previously published as pathogenic or benign to our knowledge

Dr. Peter K. Rogan Lab, Western University
No classification provided (evidence only). Condition: Malignant tumor of esophagus. Review status: no classification provided. Collection method: in vitro. Allele origin: not applicable. Functional consequence: skipped exon, retained intron. Not counted in ClinVar's aggregate classification.